The following is an entry in ClinVar:

NM_018451.5(CPAP):c.3940C>A (p.Gln1314Lys)

Genes: RNF17 (ring finger protein 17; plus strand), CPAP (centrosome assembly and centriole elongation protein; minus strand). Cytogenetic location: 13q12.12.
Variant type: single nucleotide variant.
Coding change: c.3940C>A on transcript NM_018451.5 (MANE Select); coding-DNA position 3940, C replaced by A.
Protein change: p.Gln1314Lys; replaces glutamine 1314 with lysine.
Molecular consequence: missense variant. On other transcripts: non-coding transcript variant (2).
Genome position (GRCh38, 1-based): chr13:24,883,254, G>T on the plus strand (C>A on the coding strand, the complement: CPAP is on the minus strand). VCF-style: chr13-24883254-G-T. GRCh37 (hg19) VCF-style: chr13-25457392-G-T.
Other names: short protein forms Q1314K.
Identifiers: ClinVar variation 3377898 (VCV003377898.1).

ClinVar aggregate classification (germline): Uncertain significance (1 of 4 stars; one submission).

Submission:

GeneDx
Classification: Uncertain significance. Last evaluated: 2024-05-15. Review status: criteria provided, single submitter. Criteria: GeneDx Variant Classification Process June 2021. Collection method: clinical testing. Allele origin: germline. Affected: yes.
Comment: Not observed at significant frequency in large population cohorts (gnomAD); In silico analysis supports that this missense variant has a deleterious effect on protein structure/function; Has not been previously published as pathogenic or benign to our knowledge